The following is an entry in ClinVar:

ClinVar aggregate classification (germline): Uncertain significance (1 of 4 stars; one submission).

Submission:

Ambry Genetics
Classification: Uncertain significance. Last evaluated: 2025-04-05. Review status: criteria provided, single submitter. Criteria: Ambry Variant Classification Scheme 2023. Collection method: clinical testing. Allele origin: germline.
Comment: The p.R152S variant (also known as c.456G>C), located in coding exon 1 of the WNK2 gene, results from a G to C substitution at nucleotide position 456. The arginine at codon 152 is replaced by serine, an amino acid with dissimilar properties. This amino acid position is conserved. In addition, this alteration is predicted to be tolerated by in silico analysis. Based on the available evidence, the clinical significance of this variant remains unclear.

NM_006648.4(WNK2):c.456G>C (p.Arg152Ser)

Gene: WNK2 (WNK lysine deficient protein kinase 2; plus strand). Cytogenetic location: 9q22.31.
Variant type: single nucleotide variant.
Coding change: c.456G>C on transcript NM_006648.4 (MANE Select); coding-DNA position 456, G replaced by C.
Protein change: p.Arg152Ser; replaces arginine 152 with serine.
Molecular consequence: missense variant.
Genome position (GRCh38, 1-based): chr9:93,185,385, G>C. VCF-style: chr9-93185385-G-C. GRCh37 (hg19) VCF-style: chr9-95947667-G-C.
Other names: c.456G>C, p.Arg152Ser (NM_001282394.3); short protein forms R152S.
Identifiers: ClinVar variation 3981803 (VCV003981803.1).